The following is an entry in ClinVar:

ClinVar aggregate classification (germline): Pathogenic/Likely pathogenic. Review status: criteria provided, multiple submitters, no conflicts (2 of 4 stars). 2 submissions from 2 submitters: Pathogenic (1); Likely pathogenic (1). Last evaluated 2026-04-14.

Conditions:
Benign recurrent intrahepatic cholestasis type 1. Also called: SUMMERSKILL SYNDROME; Mild-to-Moderate ATP8B1 Deficiency (Benign Recurrent Intrahepatic Cholestasis 1 [BRIC1]). Identifiers: Orphanet 65682, Orphanet 99960, MedGen C4551899, MONDO:0009469, OMIM 243300.
Familial intrahepatic cholestasis. Identifiers: Orphanet 284385, MedGen CN296401, MONDO:0017290.

Allele frequency attached by ClinVar (database versions not stated): gnomAD exomes below 0.00001; ExAC 0.00002; gnomAD 0.00002; TOPMed 0.00003; ESP Exome Variant Server 0.00008.
gnomAD v4.1: 7 of 1,613,772 alleles (0.00043%); highest among the groups gnomAD compares: South Asian, 0.0011%; no homozygotes.

Submissions (2):

Genomenon, Inc
Classification: Likely pathogenic for Familial intrahepatic cholestasis. Last evaluated: 2026-04-14. Review status: criteria provided, single submitter. Criteria: Genomenon Sequence Variant Interpretation Standards - Updated. Collection method: curation. Allele origin: germline. Affected: yes.
Comment: ATP8B1 p.Arg1164Ter (c.3490C>T) is a nonsense variant that introduces a premature stop codon at amino acid position 1164, creating a truncated protein. This variant has been observed in at least one proband with features of ATP8B1-deficiency (PMID:28733223;15239083). At least one functional study has demonstrated a substantial alteration in protein function relative to the wild-type (PMID:19918981). It is absent or not present at a significant frequency in gnomAD. In conclusion, we classify ATP8B1 p.Arg1164Ter (c.3490C>T) as a likely pathogenic variant.

Baylor Genetics
Classification: Pathogenic for Benign recurrent intrahepatic cholestasis type 1. Last evaluated: 2023-04-28. Review status: criteria provided, single submitter. Criteria: ACMG Guidelines, 2015. Collection method: clinical testing. Allele origin: unknown.

Literature cited by the submitters: PubMed 28733223 (cited by Genomenon, Inc); PubMed 15239083 (cited by Genomenon, Inc); PubMed 19918981 (cited by Genomenon, Inc).

NM_001374385.1(ATP8B1):c.3490C>T (p.Arg1164Ter)

Genes: ATP8B1 (ATPase phospholipid transporting 8B1; minus strand), ATP8B1-AS1 (ATP8B1 antisense RNA 1; plus strand). Cytogenetic location: 18q21.31.
Variant type: single nucleotide variant.
Coding change: c.3490C>T on transcript NM_001374385.1 (MANE Select); coding-DNA position 3490, C replaced by T.
Protein change: p.Arg1164Ter; replaces arginine 1164 with a stop codon.
Molecular consequence: nonsense.
Genome position (GRCh38, 1-based): chr18:57,650,408, G>A on the plus strand (C>T on the coding strand, the complement: ATP8B1 is on the minus strand). VCF-style: chr18-57650408-G-A. GRCh37 (hg19) VCF-style: chr18-55317640-G-A.
Other names: c.3340C>T, p.Arg1114Ter (NM_001374386.1); c.3490C>T, p.Arg1164Ter (NM_005603.6); short protein forms R1114*, R1164*.
Identifiers: ClinVar variation 2679855 (VCV002679855.2), dbSNP rs369054652, ClinGen allele CA8973999.